The following is an entry in ClinVar:

ClinVar aggregate classification (germline): Benign/Likely benign. Review status: criteria provided, multiple submitters, no conflicts (2 of 4 stars). 7 submissions from 7 submitters: Benign (3); Likely benign (3). 1 of the submissions does not count toward it. Last evaluated 2026-09-01.

Conditions:
Mitochondrial complex I deficiency, nuclear type 16. Also called: Mitochondrial complex 1 deficiency, nuclear type 16. Identifiers: MedGen C4748785, MONDO:0032621, OMIM 618238.
Mitochondrial complex I deficiency. Also called: NADH:Q(1) OXIDOREDUCTASE DEFICIENCY. Identifiers: Orphanet 2609, MedGen C1838979, MeSH C537475, MONDO:0100133.

Allele frequency attached by ClinVar (database versions not stated): gnomAD exomes 0.00036 and 0.00105; ExAC 0.00135; 1000 Genomes Project 0.00339; 1000 Genomes Project 30x 0.00344; ESP Exome Variant Server 0.00354; gnomAD 0.00379 and 0.00406; TOPMed 0.00429.
gnomAD v4.1: 1,125 of 1,612,674 alleles (0.07%); highest among the groups gnomAD compares: African/African-American, 1.2%; 6 homozygotes.

Submissions (10):

CeGaT Center for Human Genetics Tuebingen
Classification: Likely benign. Last evaluated: 2026-09-01. Review status: criteria provided, single submitter. Criteria: CeGaT Center For Human Genetics Tuebingen Variant Classification Criteria Version 2. Collection method: clinical testing. Allele origin: germline. Affected: yes. Observed: 5 variant alleles.
Comment: NDUFAF5: BS1

Labcorp Genetics (formerly Invitae), Labcorp
Classification: Benign. Last evaluated: 2026-02-04. Review status: criteria provided, single submitter. Criteria: Invitae Variant Classification Sherloc (09022015). Collection method: clinical testing. Allele origin: germline.

Mayo Clinic Laboratories, Mayo Clinic
Classification: Benign. Last evaluated: 2025-08-19. Review status: criteria provided, single submitter. Criteria: ACMG Guidelines, 2015. Collection method: clinical testing. Allele origin: germline. Observed: 3 variant alleles.
Comment: BS1, BS2, BP6

Blueprint Genetics
Classification: Likely benign. Last evaluated: 2024-10-15. Review status: criteria provided, single submitter. Criteria: ACMG Guidelines, 2015. Collection method: clinical testing. Allele origin: germline.

Fulgent Genetics
Classification: Likely benign for Mitochondrial complex I deficiency, nuclear type 16. Last evaluated: 2022-04-12. Review status: criteria provided, single submitter. Criteria: ACMG Guidelines, 2015. Collection method: clinical testing. Allele origin: unknown.

GeneDx
Classification: Benign. Last evaluated: 2018-08-02. Review status: criteria provided, single submitter. Criteria: GeneDx Variant Classification Process June 2021. Collection method: clinical testing. Allele origin: germline. Affected: yes.

Natera, Inc.
Classification: Likely benign for Mitochondrial complex I deficiency. Last evaluated: 2019-12-05. Review status: no assertion criteria provided. Collection method: clinical testing. Allele origin: germline. Not counted in ClinVar's aggregate classification.

Dr. Peter K. Rogan Lab, Western University
No classification provided (evidence only). Condition: Cervical cancer. Review status: no classification provided. Collection method: in vitro. Allele origin: not applicable. Functional consequence: retained intron. Not counted in ClinVar's aggregate classification.

Dr. Peter K. Rogan Lab, Western University
No classification provided (evidence only). Condition: Ovarian serous cystadenocarcinoma. Review status: no classification provided. Collection method: in vitro. Allele origin: not applicable. Functional consequence: retained intron. Not counted in ClinVar's aggregate classification.

Dr. Peter K. Rogan Lab, Western University
No classification provided (evidence only). Condition: Uterine carcinosarcoma. Review status: no classification provided. Collection method: in vitro. Allele origin: not applicable. Functional consequence: skipped exon. Not counted in ClinVar's aggregate classification.

NM_024120.5(NDUFAF5):c.449A>G (p.Asn150Ser)

Gene: NDUFAF5 (NADH:ubiquinone oxidoreductase complex assembly factor 5; plus strand). Cytogenetic location: 20p12.1.
Variant type: single nucleotide variant.
Coding change: c.449A>G on transcript NM_024120.5 (MANE Select); coding-DNA position 449, A replaced by G.
Protein change: p.Asn150Ser; replaces asparagine 150 with serine.
Molecular consequence: missense variant. On other transcripts: 5 prime UTR variant (2), non-coding transcript variant (5), intron variant (2).
Genome position (GRCh38, 1-based): chr20:13,794,911, A>G. VCF-style: chr20-13794911-A-G. GRCh37 (hg19) VCF-style: chr20-13775557-A-G.
Other names: p.Asn150Ser; c.-113A>G (NM_001352406.2, NM_001352407.2); c.449A>G, p.Asn150Ser (NM_001352408.2); c.395+1684A>G (NM_001039375.3); c.8+1684A>G (NM_001352403.2); short protein forms N150S.
Identifiers: ClinVar variation 377597 (VCV000377597.29), dbSNP rs148341631, ClinGen allele CA9767764.